The following is an entry in ClinVar:

NM_152309.3(PIK3AP1):c.1942-3C>T

Gene: PIK3AP1 (phosphoinositide-3-kinase adaptor protein 1; minus strand). Cytogenetic location: 10q24.1.
Variant type: single nucleotide variant.
Coding change: c.1942-3C>T on transcript NM_152309.3 (MANE Select); 3 bases into the intron before coding-DNA position 1942, C replaced by T.
Molecular consequence: intron variant.
Genome position (GRCh38, 1-based): chr10:96,616,714, G>A on the plus strand (C>T on the coding strand, the complement: PIK3AP1 is on the minus strand). VCF-style: chr10-96616714-G-A. GRCh37 (hg19) VCF-style: chr10-98376471-G-A.
Identifiers: ClinVar variation 2139090 (VCV002139090.5), dbSNP rs41299167, ClinGen allele CA5626110.

ClinVar aggregate classification (germline): Uncertain significance (1 of 4 stars; one submission).

Conditions:
Infantile spasms. Also called: Infantile spasm. Identifiers: MedGen C3887898, HP:0012469.

Allele frequency attached by ClinVar (database versions not stated): gnomAD exomes 0.00002; ExAC 0.00003; gnomAD 0.00005; TOPMed 0.00005; ESP Exome Variant Server 0.00008; 1000 Genomes Project 30x 0.00016; 1000 Genomes Project 0.00020.

Submissions (2):

Labcorp Genetics (formerly Invitae), Labcorp
Classification: Uncertain significance for Infantile spasms. Last evaluated: 2023-01-12. Review status: criteria provided, single submitter. Criteria: Invitae Variant Classification Sherloc (09022015). Collection method: clinical testing. Allele origin: germline.
Comment: This sequence change falls in intron 12 of the PIK3AP1 gene. It does not directly change the encoded amino acid sequence of the PIK3AP1 protein. It affects a nucleotide within the consensus splice site. This variant is present in population databases (rs41299167, gnomAD 0.007%). This variant has not been reported in the literature in individuals affected with PIK3AP1-related conditions. Variants that disrupt the consensus splice site are a relatively common cause of aberrant splicing (PMID: 17576681, 9536098). Algorithms developed to predict the effect of sequence changes on RNA splicing suggest that this variant is not likely to affect RNA splicing. In summary, the available evidence is currently insufficient to determine the role of this variant in disease. Therefore, it has been classified as a Variant of Uncertain Significance.

Dr. Peter K. Rogan Lab, Western University
No classification provided (evidence only). Condition: Melanoma. Review status: no classification provided. Collection method: in vitro. Allele origin: not applicable. Functional consequence: retained intron. Not counted in ClinVar's aggregate classification.

Literature cited by the submitters: PubMed 17576681 (cited by Labcorp Genetics (formerly Invitae), Labcorp); PubMed 9536098 (cited by Labcorp Genetics (formerly Invitae), Labcorp).